The following is an entry in ClinVar:

ClinVar aggregate classification (germline): Uncertain significance (1 of 4 stars; one submission).

Allele frequency attached by ClinVar (database versions not stated): TOPMed below 0.00001; gnomAD 0.00001.

Submission:

Ambry Genetics
Classification: Uncertain significance. Last evaluated: 2024-05-18. Review status: criteria provided, single submitter. Criteria: Ambry Variant Classification Scheme 2023. Collection method: clinical testing. Allele origin: germline.
Comment: The p.S347A variant (also known as c.1039T>G), located in coding exon 3 of the TERF2IP gene, results from a T to G substitution at nucleotide position 1039. The serine at codon 347 is replaced by alanine, an amino acid with similar properties. This amino acid position is conserved. In addition, this alteration is predicted to be tolerated by in silico analysis. Since supporting evidence is limited at this time, the clinical significance of this alteration remains unclear.

NM_018975.4(TERF2IP):c.1039T>G (p.Ser347Ala)

Gene: TERF2IP (TERF2 interacting protein; plus strand). Cytogenetic location: 16q23.1.
Variant type: single nucleotide variant.
Coding change: c.1039T>G on transcript NM_018975.4 (MANE Select); coding-DNA position 1039, T replaced by G.
Protein change: p.Ser347Ala; replaces serine 347 with alanine.
Molecular consequence: missense variant. On other transcripts: non-coding transcript variant (1).
Genome position (GRCh38, 1-based): chr16:75,656,450, T>G. VCF-style: chr16-75656450-T-G. GRCh37 (hg19) VCF-style: chr16-75690348-T-G.
Other names: short protein forms S347A.
Identifiers: ClinVar variation 1773602 (VCV001773602.3), dbSNP rs951826014, ClinGen allele CA284340094.